The following is an entry in ClinVar:

NM_023110.3(FGFR1):c.-89+499G>A

Gene: FGFR1 (fibroblast growth factor receptor 1; minus strand). Cytogenetic location: 8p11.23.
Variant type: single nucleotide variant.
Coding change: c.-89+499G>A on transcript NM_023110.3 (MANE Select); 499 bases into the intron after 89 bases upstream of the start codon, G replaced by A.
Molecular consequence: intron variant.
Genome position (GRCh38, 1-based): chr8:38,467,482, C>T on the plus strand (G>A on the coding strand, the complement: FGFR1 is on the minus strand). VCF-style: chr8-38467482-C-T. GRCh37 (hg19) VCF-style: chr8-38325000-C-T.
Other names: c.-89+499G>A (NM_001354368.2, NM_001354370.2, NM_023106.3 and 4 more transcripts); c.-181+499G>A (NM_001174064.2); c.-89+190G>A (NM_001174066.2, NM_001354369.2, NM_001174065.2); c.-150+190G>A (NM_001174067.2).
Identifiers: ClinVar variation 1676103 (VCV001676103.33), dbSNP rs545215318, ClinGen allele CA175775697.
Genomic context (GRCh38, chr8:38,467,482, plus strand): 5'-CCCCAGGCTTTCCCGGGGGTGGAAAAGGACTTAGGAATGCCCCGGATTTTTAGCGTTGAG[C>T]CCAAAGCTACCTGCTGAATTGGGGGTGAATCCCCAAAAGGGGACCAAAAAGACATGGAGT-3'

ClinVar aggregate classification (germline): Benign (1 of 4 stars; one submission).

Allele frequency attached by ClinVar (database versions not stated): 1000 Genomes Project 30x 0.00047; gnomAD 0.00055 and 0.00056; 1000 Genomes Project 0.00060; TOPMed 0.00082.
gnomAD v4.1: 84 of 152,244 alleles (0.055%); highest among the groups gnomAD compares: Admixed American, 0.24%; no homozygotes.

Submission:

CeGaT Center for Human Genetics Tuebingen
Classification: Benign. Last evaluated: 2022-03-01. Review status: criteria provided, single submitter. Criteria: CeGaT Center For Human Genetics Tuebingen Variant Classification Criteria Version 2. Collection method: clinical testing. Allele origin: germline. Affected: yes. Observed: 1 variant allele.
Comment: FGFR1: BS1, BS2